The following is an entry in ClinVar:

ClinVar aggregate classification (germline): Conflicting classifications of pathogenicity. Review status: criteria provided, conflicting classifications (1 of 4 stars). 9 submissions from 9 submitters: Uncertain significance (4); Likely benign (3). 2 of the submissions do not count toward it. Last evaluated 2025-11-11.

Conditions:
Hereditary cancer-predisposing syndrome. Also called: Hereditary Cancer Syndrome; Hereditary neoplastic syndrome; Neoplastic Syndromes, Hereditary; Tumor predisposition. Identifiers: Orphanet 140162, MedGen C0027672, MeSH D009386, MONDO:0015356.
Breast-ovarian cancer, familial, susceptibility to, 1 (BROVCA1). Also called: BRCA1 Hereditary Breast and Ovarian Cancer; OVARIAN CANCER, SUSCEPTIBILITY TO. Identifiers: Orphanet 145, MedGen C2676676, MONDO:0011450, OMIM 604370. Disease mechanism: loss of function.
Hereditary breast ovarian cancer syndrome. Also called: BRCA1- and BRCA2-Associated Hereditary Breast and Ovarian Cancer; Hereditary breast and ovarian cancer syndrome; Hereditary breast and ovarian cancer syndrome (HBOC); Breast and ovarian cancer; Hereditary breast and/or ovarian cancer syndrome; Hereditary breast and ovarian cancer. Identifiers: Orphanet 145, MedGen C0677776, MeSH D061325, MONDO:0003582. Disease mechanism: loss of function.

Allele frequency attached by ClinVar (database versions not stated): ExAC 0.00001; gnomAD 0.00001; gnomAD exomes 0.00001.
gnomAD v4.1: 10 of 1,612,714 alleles (0.00062%); highest among the groups gnomAD compares: African/African-American, 0.0013%; no homozygotes.

Submissions (9):

Labcorp Genetics (formerly Invitae), Labcorp
Classification: Likely benign for Hereditary breast ovarian cancer syndrome. Last evaluated: 2025-11-11. Review status: criteria provided, single submitter. Criteria: Invitae Variant Classification Sherloc (09022015). Collection method: clinical testing. Allele origin: germline.

Color Diagnostics, LLC DBA Color Health
Classification: Likely benign for Hereditary cancer-predisposing syndrome. Last evaluated: 2025-09-30. Review status: criteria provided, single submitter. Criteria: ACMG Guidelines, 2015. Collection method: clinical testing. Allele origin: germline.

Women's Health and Genetics/Laboratory Corporation of America, LabCorp
Classification: Uncertain significance. Last evaluated: 2025-06-05. Review status: criteria provided, single submitter. Criteria: LabCorp Variant Classification Summary - May 2015. Collection method: clinical testing. Allele origin: germline.
Comment: Variant summary: BRCA1 c.455T>C (p.Leu152Pro) results in a non-conservative amino acid change in the encoded protein sequence. Algorithms developed to predict the effect of missense changes on protein structure and function are either unavailable or do not agree on the potential impact of this missense change. The variant allele was found at a frequency of 8e-06 in 251430 control chromosomes. The available data on variant occurrences in the general population are insufficient to allow any conclusion about variant significance. To our knowledge, no occurrence of c.455T>C in individuals affected with Hereditary Breast And Ovarian Cancer Syndrome and no experimental evidence demonstrating its impact on protein function have been reported. Co-occurrence with a pathogenic variant has internally been reported (PALB2 c.2386G>T, p.Gly296X), providing supporting evidence for a benign role. ClinVar contains an entry for this variant (Variation ID: 55227). Based on the evidence outlined above, the variant was classified as uncertain significance.

Ambry Genetics
Classification: Uncertain significance for Hereditary cancer-predisposing syndrome. Last evaluated: 2025-03-25. Review status: criteria provided, single submitter. Criteria: Ambry Variant Classification Scheme 2023. Collection method: clinical testing. Allele origin: germline.
Comment: The p.L152P variant (also known as c.455T>C), located in coding exon 6 of the BRCA1 gene, results from a T to C substitution at nucleotide position 455. The leucine at codon 152 is replaced by proline, an amino acid with similar properties. This amino acid position is well conserved in available vertebrate species. In addition, this alteration is predicted to be deleterious by in silico analysis. Based on the available evidence, the clinical significance of this variant remains unclear.

All of Us Research Program, National Institutes of Health
Classification: Uncertain significance for Breast-ovarian cancer, familial, susceptibility to, 1. Last evaluated: 2023-09-04. Review status: criteria provided, single submitter. Criteria: ACMG Guidelines, 2015. Collection method: clinical testing. Allele origin: germline. Inheritance: Autosomal dominant inheritance. Observed: 1 variant allele, 1 heterozygote.
Comment: This missense variant replaces leucine with proline at codon 152 of the BRCA1 protein. Computational prediction is inconclusive regarding the impact of this variant on protein structure and function (internally defined REVEL score threshold 0.5 < inconclusive < 0.7, PMID: 27666373). A high-throughput homology-directed DNA repair assay found that this variant protein performed similarly to a neutral missense, p.Asp67Gly (PMID: 30219179). This variant has been detected in a breast cancer case-control meta-analysis in 1/60466 cases and 0/53461 unaffected individuals (PMID: 33471991; Leiden Open Variation Database DB-ID BRCA1_002213). A multifactorial analysis has reported likelihood ratios for pathogenicity based on co-occurrence with a pathogenic covariant and family history of 1.1026 and 0.228, respectively (PMID: 31131967). This variant has been identified in 2/251430 chromosomes in the general population by the Genome Aggregation Database (gnomAD). Although there is a suspicion that this variant may not be associated with disease, additional studies are necessary to determine the role of this variant in disease conclusively. Therefore, this variant is classified as a Variant of Uncertain Significance.

This study involves interpretation of variants in research participants for the purpose of population health screening. Participant phenotype was not available at the time of variant classification. Additional details can be found in publication PMID: 35346344, PMCID: PMC8962531

Sema4
Classification: Uncertain significance for Hereditary cancer-predisposing syndrome. Last evaluated: 2021-04-22. Review status: criteria provided, single submitter. Criteria: Sema4 Curation Guidelines. Collection method: curation. Allele origin: germline.
Comment: The BRCA1 c.455T>C (p.L152P) variant has been reported in heterozygosity in at least one individual with breast cancer (PMID: 33471991). This variant was observed in 2/113708 chromosomes in the Non-Finnish European population according to the Genome Aggregation Database (PMID: 32461654). This variant has been reported in ClinVar (Variation ID: 55227). In silico tools suggest the impact of the variant on protein function is inconclusive, though these predictions have not been confirmed by functional studies. The overall evidence is inconsistent with ACMG/AMP requirements for a classification of benign or pathogenic. In summary, the clinical significance of this variant is currently uncertain.

GeneDx
Classification: Likely benign. Last evaluated: 2021-03-15. Review status: criteria provided, single submitter. Criteria: GeneDx Variant Classification Process June 2021. Collection method: clinical testing. Allele origin: germline. Affected: yes.
Comment: Not observed at a significant frequency in large population cohorts (Lek et al., 2016); In silico analysis supports that this missense variant has a deleterious effect on protein structure/function; In-silico analysis, which includes splice predictors and evolutionary conservation, is inconclusive as to whether the variant alters gene splicing. In the absence of RNA/functional studies, the actual effect of this sequence change is unknown.; This variant is associated with the following publications: (PMID: 30219179, 31131967, 10923033)

Research Molecular Genetics Laboratory, Women's College Hospital, University of Toronto
Classification: Uncertain significance. Last evaluated: 2014-01-31. Review status: no assertion criteria provided. Collection method: research. Allele origin: germline. Affected: yes. Study: The Canadian Open Genetics Repository (COGR). Not counted in ClinVar's aggregate classification.

Breast Cancer Information Core (BIC) (BRCA1)
Classification: Uncertain significance for Breast-ovarian cancer, familial 1. Last evaluated: 2003-12-23. Review status: no assertion criteria provided. Collection method: clinical testing. Allele origin: germline. Affected: yes. Observed: 1 variant allele. Not counted in ClinVar's aggregate classification.

Literature cited by the submitters: PubMed 15385441 (cited by Women's Health and Genetics/Laboratory Corporation of America, LabCorp and Ambry Genetics); PubMed 25348012 (cited by Ambry Genetics); PubMed 30219179 (cited by All of Us Research Program, National Institutes of Health); PubMed 31131967 (cited by All of Us Research Program, National Institutes of Health); PubMed 33471991 (cited by All of Us Research Program, National Institutes of Health and Sema4).

NM_007294.4(BRCA1):c.455T>C (p.Leu152Pro)

Gene: BRCA1 (BRCA1 DNA repair associated; minus strand). Cytogenetic location: 17q21.31.
Variant type: single nucleotide variant.
Coding change: c.455T>C on transcript NM_007294.4 (MANE Select); coding-DNA position 455, T replaced by C.
Protein change: p.Leu152Pro; replaces leucine 152 with proline.
Molecular consequence: missense variant. On other transcripts: non-coding transcript variant (1).
Genome position (GRCh38, 1-based): chr17:43,099,867, A>G on the plus strand (T>C on the coding strand, the complement: BRCA1 is on the minus strand). VCF-style: chr17-43099867-A-G. GRCh37 (hg19) VCF-style: chr17-41251884-A-G.
Other names: c.452T>C, p.Leu151Pro (NM_001407649.1, NM_001407670.1, NM_001407671.1 and 65 more transcripts); c.455T>C, p.Leu152Pro (NM_001407652.1, NM_001407664.1, NM_001407665.1 and 97 more transcripts); c.377T>C, p.Leu126Pro (NM_001407653.1, NM_001407654.1, NM_001407655.1 and 12 more transcripts); c.374T>C, p.Leu125Pro (NM_001407659.1, NM_001407660.1, NM_001407661.1 and 6 more transcripts); c.314T>C, p.Leu105Pro (NM_001407692.1, NM_001407694.1, NM_001407695.1 and 61 more transcripts); c.311T>C, p.Leu104Pro (NM_001407740.1, NM_001407741.1, NM_001407742.1 and 35 more transcripts); c.242T>C, p.Leu81Pro (NM_001407853.1, NM_001407894.1, NM_001407895.1 and 18 more transcripts); c.245T>C, p.Leu82Pro (NM_001407879.1, NM_001407881.1, NM_001407882.1 and 37 more transcripts); and 4 more; short protein forms L152P, L105P, L107P, L125P, L104P, L149P, L25P, L81P.
Identifiers: ClinVar variation 55227 (VCV000055227.29), dbSNP rs80357275, ClinGen allele CA002904.